The following is an entry in ClinVar:

NM_001999.4(FBN2):c.1465+54A>G

Gene: FBN2 (fibrillin 2; minus strand). Cytogenetic location: 5q23.3.
Variant type: single nucleotide variant.
Coding change: c.1465+54A>G on transcript NM_001999.4 (MANE Select); 54 bases into the intron after coding-DNA position 1465, A replaced by G.
Molecular consequence: intron variant.
Genome position (GRCh38, 1-based): chr5:128,393,081, T>C on the plus strand (A>G on the coding strand, the complement: FBN2 is on the minus strand). VCF-style: chr5-128393081-T-C. GRCh37 (hg19) VCF-style: chr5-127728774-T-C.
Identifiers: ClinVar variation 676363 (VCV000676363.1), dbSNP rs73345284, ClinGen allele CA127033642.

ClinVar aggregate classification (germline): Benign (1 of 4 stars; one submission).

Allele frequency attached by ClinVar (database versions not stated): gnomAD exomes 0.00234; gnomAD 0.02423 and 0.02577; TOPMed 0.02790; 1000 Genomes Project 0.02875; 1000 Genomes Project 30x 0.03123.

Submission:

GeneDx
Classification: Benign. Last evaluated: 2018-06-19. Review status: criteria provided, single submitter. Criteria: GeneDx Variant Classification (06012015). Collection method: clinical testing. Allele origin: germline. Affected: yes.
Comment: This variant is considered likely benign or benign based on one or more of the following criteria: it is a conservative change, it occurs at a poorly conserved position in the protein, it is predicted to be benign by multiple in silico algorithms, and/or has population frequency not consistent with disease.